The following is an entry in ClinVar:

ClinVar aggregate classification (germline): Likely benign (0 of 4 stars; one submission).

Conditions:
MGLL-related disorder. Also called: MGLL-related condition.

Allele frequency attached by ClinVar (database versions not stated): gnomAD exomes 0.00007; ExAC 0.00023; ESP Exome Variant Server 0.00040; gnomAD 0.00053; 1000 Genomes Project 0.00060; 1000 Genomes Project 30x 0.00062; TOPMed 0.00068.
gnomAD v4.1: 201 of 1,614,212 alleles (0.012%); highest among the groups gnomAD compares: African/African-American, 0.18%; 1 homozygote.

Submission:

PreventionGenetics, part of Exact Sciences
Classification: Likely benign for MGLL-related condition. Last evaluated: 2022-07-06. Review status: no assertion criteria provided. Collection method: clinical testing. Allele origin: germline.
Comment: This variant is classified as likely benign based on ACMG/AMP sequence variant interpretation guidelines (Richards et al. 2015 PMID: 25741868, with internal and published modifications).

NM_007283.7(MGLL):c.319G>A (p.Val107Ile)

Gene: MGLL (monoglyceride lipase; minus strand). Cytogenetic location: 3q21.3.
Variant type: single nucleotide variant.
Coding change: c.319G>A on transcript NM_007283.7 (MANE Select); coding-DNA position 319, G replaced by A.
Protein change: p.Val107Ile; replaces valine 107 with isoleucine.
Molecular consequence: missense variant.
Genome position (GRCh38, 1-based): chr3:127,722,510, C>T on the plus strand (G>A on the coding strand, the complement: MGLL is on the minus strand). VCF-style: chr3-127722510-C-T. GRCh37 (hg19) VCF-style: chr3-127441353-C-T.
Other names: c.289G>A, p.Val97Ile (NM_001003794.3, NM_001388313.1, NM_001388314.1 and 1 more transcripts); c.319G>A, p.Val107Ile (NM_001256585.2, NM_001388312.1); c.211G>A, p.Val71Ile (NM_001388315.1, NM_001388317.1, NM_001388318.1); short protein forms V107I, V71I, V97I.
Identifiers: ClinVar variation 3035437 (VCV003035437.2), dbSNP rs140105585, ClinGen allele CA2597647.
Genomic context (GRCh38, chr3:127,722,510, plus strand): 5'-AGACAGGAAGCCCAGGGTAGTCTTTCTGCATGGAATCCACATGCTGCAACACATCCCTGA[C>T]GAAAACGTGGAAGTCAGACACTACCATCCTCTCCCCTTCGCTCTGTCCGTGGCCAACTGG-3'
Protein context (NP_009214.1, residues 97-117): RMVVSDFHVF[Val107Ile]RDVLQHVDSM